The following is an entry in ClinVar:

ClinVar aggregate classification (germline): Uncertain significance. Review status: criteria provided, multiple submitters, no conflicts (2 of 4 stars). 4 submissions from 4 submitters: Uncertain significance (4). Last evaluated 2026-01-18.

Conditions:
Dilated cardiomyopathy 1AA (CMD1AA). Also called: CARDIOMYOPATHY, DILATED, 1AA, WITH OR WITHOUT LEFT VENTRICULAR NONCOMPACTION; CARDIOMYOPATHY, FAMILIAL HYPERTROPHIC, 23, WITH OR WITHOUT LEFT VENTRICULAR NONCOMPACTION; Cardiomyopathy, dilated, 1AA, with or without LVNC. Identifiers: Orphanet 154, MedGen C2677338, MONDO:0012808, OMIM 612158.
Myopathy, congenital, with structured cores and z-line abnormalities. Also called: CONGENITAL MYOPATHY 8; MULTIPLE STRUCTURED CORE DISEASE. Identifiers: MedGen C5231445, MONDO:0032852, OMIM 618654.
Myopathy, distal, 6, adult-onset, autosomal dominant. Identifiers: MedGen C5203349, MONDO:0032853, OMIM 618655.
Primary familial hypertrophic cardiomyopathy (HCM). Identifiers: Orphanet 99739, MedGen C0949658, MeSH D024741, MONDO:0024573. Inheritance: Various modes of inheritance.
Cardiovascular phenotype. Identifiers: MedGen CN230736.

Allele frequency attached by ClinVar (database versions not stated): gnomAD exomes below 0.00001; gnomAD 0.00002; TOPMed 0.00003.
gnomAD v4.1: 7 of 1,614,116 alleles (0.00043%); highest among the groups gnomAD compares: African/African-American, 0.0093%; no homozygotes.

Submissions (4):

Labcorp Genetics (formerly Invitae), Labcorp
Classification: Uncertain significance for Primary familial hypertrophic cardiomyopathy; Dilated cardiomyopathy 1AA. Last evaluated: 2026-01-18. Review status: criteria provided, single submitter. Criteria: Invitae Variant Classification Sherloc (09022015). Collection method: clinical testing. Allele origin: germline.
Comment: This sequence change replaces phenylalanine, which is neutral and non-polar, with serine, which is neutral and polar, at codon 256 of the ACTN2 protein (p.Phe256Ser). This variant is not present in population databases (gnomAD no frequency). This variant has not been reported in the literature in individuals affected with ACTN2-related conditions. ClinVar contains an entry for this variant (Variation ID: 640075). Invitae Evidence Modeling of protein sequence and biophysical properties (such as structural, functional, and spatial information, amino acid conservation, physicochemical variation, residue mobility, and thermodynamic stability) indicates that this missense variant is expected to disrupt ACTN2 protein function with a positive predictive value of 80%. In summary, the available evidence is currently insufficient to determine the role of this variant in disease. Therefore, it has been classified as a Variant of Uncertain Significance.

Ambry Genetics
Classification: Uncertain significance for Cardiovascular phenotype. Last evaluated: 2025-12-16. Review status: criteria provided, single submitter. Criteria: Ambry Variant Classification Scheme 2023. Collection method: clinical testing. Allele origin: germline.
Comment: The p.F256S variant (also known as c.767T>C), located in coding exon 8 of the ACTN2 gene, results from a T to C substitution at nucleotide position 767. The phenylalanine at codon 256 is replaced by serine, an amino acid with highly dissimilar properties. This amino acid position is conserved. In addition, this alteration is predicted to be deleterious by in silico analysis. Since supporting evidence is limited at this time, the clinical significance of this alteration remains unclear.

Fulgent Genetics
Classification: Uncertain significance for Dilated cardiomyopathy 1AA; Myopathy, congenital, with structured cores and z-line abnormalities; Myopathy, distal, 6, adult-onset, autosomal dominant. Last evaluated: 2021-09-30. Review status: criteria provided, single submitter. Criteria: ACMG Guidelines, 2015. Collection method: clinical testing. Allele origin: unknown.

GeneDx
Classification: Uncertain significance. Last evaluated: 2019-10-28. Review status: criteria provided, single submitter. Criteria: GeneDx Variant Classification Process June 2021. Collection method: clinical testing. Allele origin: germline. Affected: yes.
Comment: Has not been previously published as pathogenic or benign to our knowledge; Not observed in large population cohorts (Lek et al., 2016); Reported in ClinVar as a variant of uncertain significance (ClinVar Variant ID# 640075; Landrum et al., 2016); In silico analysis, which includes protein predictors and evolutionary conservation, supports a deleterious effect

NM_001103.4(ACTN2):c.767T>C (p.Phe256Ser)

Gene: ACTN2 (actinin alpha 2; plus strand). Cytogenetic location: 1q43.
Variant type: single nucleotide variant.
Coding change: c.767T>C on transcript NM_001103.4 (MANE Select); coding-DNA position 767, T replaced by C.
Protein change: p.Phe256Ser; replaces phenylalanine 256 with serine.
Molecular consequence: missense variant. On other transcripts: intron variant (1).
Genome position (GRCh38, 1-based): chr1:236,735,704, T>C. VCF-style: chr1-236735704-T-C. GRCh37 (hg19) VCF-style: chr1-236899004-T-C.
Other names: c.767T>C (NM_001103.2); c.32T>C, p.Phe11Ser (NM_001278344.2); c.783+1186T>C (NM_001278343.2); short protein forms F256S, F11S.
Identifiers: ClinVar variation 640075 (VCV000640075.17), dbSNP rs1337069615, ClinGen allele CA345377691.